The following is an entry in ClinVar:

NM_002907.4(RECQL):c.1177A>C (p.Lys393Gln)

Gene: RECQL (RecQ like helicase; minus strand). Cytogenetic location: 12p12.1.
Variant type: single nucleotide variant.
Coding change: c.1177A>C on transcript NM_002907.4 (MANE Select); coding-DNA position 1177, A replaced by C.
Protein change: p.Lys393Gln; replaces lysine 393 with glutamine.
Molecular consequence: missense variant.
Genome position (GRCh38, 1-based): chr12:21,475,507, T>G on the plus strand (A>C on the coding strand, the complement: RECQL is on the minus strand). VCF-style: chr12-21475507-T-G. GRCh37 (hg19) VCF-style: chr12-21628441-T-G.
Other names: c.1177A>C, p.Lys393Gln (NM_032941.3); short protein forms K393Q.
Identifiers: ClinVar variation 3787905 (VCV003787905.1).

ClinVar aggregate classification (germline): Uncertain significance (1 of 4 stars; one submission).

Submission:

Ambry Genetics
Classification: Uncertain significance. Last evaluated: 2024-12-31. Review status: criteria provided, single submitter. Criteria: Ambry Variant Classification Scheme 2023. Collection method: clinical testing. Allele origin: germline.
Comment: The p.K393Q variant (also known as c.1177A>C), located in coding exon 9 of the RECQL gene, results from an A to C substitution at nucleotide position 1177. The lysine at codon 393 is replaced by glutamine, an amino acid with similar properties. This amino acid position is conserved. In addition, the in silico prediction for this alteration is inconclusive. Based on the available evidence, the clinical significance of this variant remains unclear.